The following is an entry in ClinVar:

NM_172107.4(KCNQ2):c.2561G>A (p.Arg854His)

Gene: KCNQ2 (potassium voltage-gated channel subfamily Q member 2; minus strand). Cytogenetic location: 20q13.33.
Variant type: single nucleotide variant.
Coding change: c.2561G>A on transcript NM_172107.4 (MANE Select); coding-DNA position 2561, G replaced by A.
Protein change: p.Arg854His; replaces arginine 854 with histidine.
Molecular consequence: missense variant.
Genome position (GRCh38, 1-based): chr20:63,406,702, C>T on the plus strand (G>A on the coding strand, the complement: KCNQ2 is on the minus strand). VCF-style: chr20-63406702-C-T. GRCh37 (hg19) VCF-style: chr20-62038055-C-T.
Other names: c.2615G>A, p.Arg872His (NM_001382235.1); c.2477G>A, p.Arg826His (NM_004518.6); c.2507G>A, p.Arg836His (NM_172106.3); c.2468G>A, p.Arg823His (NM_172108.5); short protein forms R823H, R826H, R872H, R836H, R854H.
Identifiers: ClinVar variation 2888280 (VCV002888280.4), dbSNP rs1238249590, ClinGen allele CA409636542.

ClinVar aggregate classification (germline): Uncertain significance. Review status: criteria provided, multiple submitters, no conflicts (2 of 4 stars). 2 submissions from 2 submitters: Uncertain significance (2). Last evaluated 2024-06-27.

Conditions:
Early-infantile DEE. Also called: Early infantile epileptic encephalopathy; Ohtahara syndrome; Early infantile epileptic encephalopathy with suppression bursts. Identifiers: Orphanet 1934, MedGen C0393706, MONDO:0800491.

Allele frequency attached by ClinVar (database versions not stated): gnomAD 0.00001; TOPMed 0.00001.
gnomAD v4.1: 7 of 1,607,136 alleles (0.00044%); highest among the groups gnomAD compares: South Asian, 0.0044%; no homozygotes.

Submissions (2):

Blueprint Genetics
Classification: Uncertain significance. Last evaluated: 2024-06-27. Review status: criteria provided, single submitter. Criteria: ACMG Guidelines, 2015. Collection method: clinical testing. Allele origin: germline.

Labcorp Genetics (formerly Invitae), Labcorp
Classification: Uncertain significance for Early-infantile DEE. Last evaluated: 2023-10-16. Review status: criteria provided, single submitter. Criteria: Invitae Variant Classification Sherloc (09022015). Collection method: clinical testing. Allele origin: germline.
Comment: This sequence change replaces arginine, which is basic and polar, with histidine, which is basic and polar, at codon 854 of the KCNQ2 protein (p.Arg854His). This variant is not present in population databases (gnomAD no frequency). This variant has not been reported in the literature in individuals affected with KCNQ2-related conditions. An algorithm developed to predict the effect of missense changes on protein structure and function (PolyPhen-2) suggests that this variant is likely to be tolerated. In summary, the available evidence is currently insufficient to determine the role of this variant in disease. Therefore, it has been classified as a Variant of Uncertain Significance.